The following is an entry in ClinVar:

ClinVar aggregate classification (germline): Uncertain significance (1 of 4 stars; one submission).

Conditions:
Inborn genetic diseases. Identifiers: MedGen C0950123, MeSH D030342.

Submission:

Ambry Genetics
Classification: Uncertain significance for Inborn genetic diseases. Last evaluated: 2022-02-07. Review status: criteria provided, single submitter. Criteria: Ambry Variant Classification Scheme 2023. Collection method: clinical testing. Allele origin: germline.
Comment: The p.S613I variant (also known as c.1838G>T), located in coding exon 12 of the EPAS1 gene, results from a G to T substitution at nucleotide position 1838. The serine at codon 613 is replaced by isoleucine, an amino acid with dissimilar properties. This amino acid position is conserved. In addition, this alteration is predicted to be tolerated by in silico analysis. Since supporting evidence is limited at this time, the clinical significance of this alteration remains unclear.

NM_001430.5(EPAS1):c.1838G>T (p.Ser613Ile)

Gene: EPAS1 (endothelial PAS domain protein 1; plus strand). Cytogenetic location: 2p21.
Variant type: single nucleotide variant.
Coding change: c.1838G>T on transcript NM_001430.5 (MANE Select); coding-DNA position 1838, G replaced by T.
Protein change: p.Ser613Ile; replaces serine 613 with isoleucine.
Molecular consequence: missense variant.
Genome position (GRCh38, 1-based): chr2:46,380,510, G>T. VCF-style: chr2-46380510-G-T. GRCh37 (hg19) VCF-style: chr2-46607649-G-T.
Other names: short protein forms S613I.
Identifiers: ClinVar variation 1781083 (VCV001781083.2), dbSNP rs1684862818, ClinGen allele CA346704988.